The following is an entry in ClinVar:

NM_206933.4(USH2A):c.13880C>T (p.Thr4627Ile)

Gene: USH2A (usherin; minus strand). Cytogenetic location: 1q41.
Variant type: single nucleotide variant.
Coding change: c.13880C>T on transcript NM_206933.4 (MANE Select); coding-DNA position 13880, C replaced by T.
Protein change: p.Thr4627Ile; replaces threonine 4627 with isoleucine.
Molecular consequence: missense variant.
Genome position (GRCh38, 1-based): chr1:215,671,225, G>A on the plus strand (C>T on the coding strand, the complement: USH2A is on the minus strand). VCF-style: chr1-215671225-G-A. GRCh37 (hg19) VCF-style: chr1-215844567-G-A.
Other names: short protein forms T4627I.
Identifiers: ClinVar variation 2002514 (VCV002002514.4), dbSNP rs1243017035, ClinGen allele CA344841592.

ClinVar aggregate classification (germline): Uncertain significance (1 of 4 stars; one submission).

gnomAD v4.1: 1 of 1,614,168 alleles (0.000062%); highest among the groups gnomAD compares: Non-Finnish European, 0.000085%; no homozygotes.

Submission:

Labcorp Genetics (formerly Invitae), Labcorp
Classification: Uncertain significance. Last evaluated: 2023-10-03. Review status: criteria provided, single submitter. Criteria: Invitae Variant Classification Sherloc (09022015). Collection method: clinical testing. Allele origin: germline.
Comment: This sequence change replaces threonine, which is neutral and polar, with isoleucine, which is neutral and non-polar, at codon 4627 of the USH2A protein (p.Thr4627Ile). This variant is not present in population databases (gnomAD no frequency). This variant has not been reported in the literature in individuals affected with USH2A-related conditions. ClinVar contains an entry for this variant (Variation ID: 2002514). Advanced modeling of protein sequence and biophysical properties (such as structural, functional, and spatial information, amino acid conservation, physicochemical variation, residue mobility, and thermodynamic stability) has been performed at Invitae for this missense variant, however the output from this modeling did not meet the statistical confidence thresholds required to predict the impact of this variant on USH2A protein function. In summary, the available evidence is currently insufficient to determine the role of this variant in disease. Therefore, it has been classified as a Variant of Uncertain Significance.